The following is an entry in ClinVar:

ClinVar aggregate classification (germline): Uncertain significance (1 of 4 stars; one submission).

gnomAD v4.1: 3 of 1,586,412 alleles (0.00019%); highest among the groups gnomAD compares: Non-Finnish European, 0.00026%; no homozygotes.

Submission:

Women's Health and Genetics/Laboratory Corporation of America, LabCorp
Classification: Uncertain significance. Last evaluated: 2025-10-15. Review status: criteria provided, single submitter. Criteria: LabCorp Variant Classification Summary - May 2015. Collection method: clinical testing. Allele origin: germline.
Comment: Variant summary: POMP c.-13A>C is located in the untranslated mRNA region upstream of the initiation codon. The variant was absent in 203536 control chromosomes. The available data on variant occurrences in the general population are insufficient to allow any conclusion about variant significance. To our knowledge, no occurrence of c.-13A>C in individuals affected with POMP-related conditions and no experimental evidence demonstrating its impact on protein function have been reported. No submitters have cited clinical-significance assessments for this variant to ClinVar. Based on the evidence outlined above, the variant was classified as uncertain significance.

NM_015932.6(POMP):c.-13A>C

Gene: POMP (proteasome maturation protein; plus strand). Cytogenetic location: 13q12.3.
Variant type: single nucleotide variant.
Coding change: c.-13A>C on transcript NM_015932.6 (MANE Select); 13 bases upstream of the start codon, A replaced by C.
Molecular consequence: 5 prime UTR variant.
Genome position (GRCh38, 1-based): chr13:28,659,172, A>C. VCF-style: chr13-28659172-A-C. GRCh37 (hg19) VCF-style: chr13-29233309-A-C.
Identifiers: ClinVar variation 4687258 (VCV004687258.1).
Genomic context (GRCh38, chr13:28,659,172, plus strand): 5'-TCGGAAACGGAAGTGAGCGGCGGGGTCGACTGACGGTAACGGGGCAGAGAGGCTGTTCGC[A>C]GAGCTGCGGAAGATGGTGAGTGGGTACCCGGGCGGCTGGAGTTCCACGCGGGCTCGGGAC-3'